The following is an entry in ClinVar:

NM_172201.2(KCNE2):c.119A>C (p.Lys40Thr)

Genes: KCNE2 (potassium voltage-gated channel subfamily E regulatory subunit 2; plus strand), LOC105372791 (uncharacterized LOC105372791; minus strand). Cytogenetic location: 21q22.11.
Variant type: single nucleotide variant.
Coding change: c.119A>C on transcript NM_172201.2 (MANE Select); coding-DNA position 119, A replaced by C.
Protein change: p.Lys40Thr; replaces lysine 40 with threonine.
Molecular consequence: missense variant.
Genome position (GRCh38, 1-based): chr21:34,370,597, A>C. VCF-style: chr21-34370597-A-C. GRCh37 (hg19) VCF-style: chr21-35742896-A-C.
Other names: short protein forms K40T.
Identifiers: ClinVar variation 2147375 (VCV002147375.4), dbSNP rs752190819, ClinGen allele CA410196349.

ClinVar aggregate classification (germline): Uncertain significance (1 of 4 stars; one submission).

Conditions:
Long QT syndrome 6 (LQT6). Identifiers: Orphanet 101016, Orphanet 768, MedGen C3150953, MONDO:0013370, OMIM 613693.

Submission:

Labcorp Genetics (formerly Invitae), Labcorp
Classification: Uncertain significance for Long QT syndrome 6. Last evaluated: 2022-01-26. Review status: criteria provided, single submitter. Criteria: Invitae Variant Classification Sherloc (09022015). Collection method: clinical testing. Allele origin: germline.
Comment: In summary, the available evidence is currently insufficient to determine the role of this variant in disease. Therefore, it has been classified as a Variant of Uncertain Significance. Algorithms developed to predict the effect of missense changes on protein structure and function (SIFT, PolyPhen-2, Align-GVGD) all suggest that this variant is likely to be tolerated. This variant has not been reported in the literature in individuals affected with KCNE2-related conditions. This variant is not present in population databases (gnomAD no frequency). This sequence change replaces lysine, which is basic and polar, with threonine, which is neutral and polar, at codon 40 of the KCNE2 protein (p.Lys40Thr).